The following is an entry in ClinVar:

NM_001367624.2(ZNF469):c.9062C>T (p.Pro3021Leu)

Gene: ZNF469 (zinc finger protein 469; plus strand). Cytogenetic location: 16q24.2.
Variant type: single nucleotide variant.
Coding change: c.9062C>T on transcript NM_001367624.2 (MANE Select); coding-DNA position 9062, C replaced by T.
Protein change: p.Pro3021Leu; replaces proline 3021 with leucine.
Molecular consequence: missense variant.
Genome position (GRCh38, 1-based): chr16:88,436,532, C>T. VCF-style: chr16-88436532-C-T. GRCh37 (hg19) VCF-style: chr16-88502940-C-T.
Other names: short protein forms P3021L.
Identifiers: ClinVar variation 1997781 (VCV001997781.4), dbSNP rs1454452930, ClinGen allele CA397120484.

ClinVar aggregate classification (germline): Uncertain significance (1 of 4 stars; one submission).

Submission:

Labcorp Genetics (formerly Invitae), Labcorp
Classification: Uncertain significance. Last evaluated: 2022-05-21. Review status: criteria provided, single submitter. Criteria: Invitae Variant Classification Sherloc (09022015). Collection method: clinical testing. Allele origin: germline.
Comment: In summary, the available evidence is currently insufficient to determine the role of this variant in disease. Therefore, it has been classified as a Variant of Uncertain Significance. Algorithms developed to predict the effect of missense changes on protein structure and function are either unavailable or do not agree on the potential impact of this missense change (SIFT: "Deleterious"; PolyPhen-2: "Probably Damaging"; Align-GVGD: "Class C0"). This variant has not been reported in the literature in individuals affected with ZNF469-related conditions. This variant is not present in population databases (gnomAD no frequency). This sequence change replaces proline, which is neutral and non-polar, with leucine, which is neutral and non-polar, at codon 2993 of the ZNF469 protein (p.Pro2993Leu).